The following is an entry in ClinVar:

NM_017849.4(TMEM127):c.3G>C (p.Met1Ile)

Genes: TMEM127 (transmembrane protein 127; minus strand), LOC129934333 (ATAC-STARR-seq lymphoblastoid silent region 11759; plus strand). Cytogenetic location: 2q11.2.
Variant type: single nucleotide variant.
Coding change: c.3G>C on transcript NM_017849.4 (MANE Select); coding-DNA position 3, G replaced by C.
Protein change: p.Met1Ile; changes the start codon (methionine 1).
Molecular consequence: missense variant, initiator codon variant. On other transcripts: intron variant (1).
Genome position (GRCh38, 1-based): chr2:96,265,379, C>G on the plus strand (G>C on the coding strand, the complement: TMEM127 is on the minus strand). VCF-style: chr2-96265379-C-G. GRCh37 (hg19) VCF-style: chr2-96931117-C-G.
Other names: c.3G>C, p.Met1Ile (NM_001193304.3); c.-9+490G>C (NM_001407283.1); short protein forms M1I.
Identifiers: ClinVar variation 4706395 (VCV004706395.1).

ClinVar aggregate classification (germline): Pathogenic (1 of 4 stars; one submission).

Conditions:
Hereditary pheochromocytoma and paraganglioma. Also called: Hereditary pheochromocytoma-paraganglioma; Hereditary Paraganglioma-Pheochromocytoma Syndromes; Hereditary paragangliomas and pheochromocytomas. Identifiers: Orphanet 29072, MedGen C4274332, MONDO:0017366.

Submission:

Labcorp Genetics (formerly Invitae), Labcorp
Classification: Pathogenic for Hereditary pheochromocytoma and paraganglioma. Last evaluated: 2025-12-18. Review status: criteria provided, single submitter. Criteria: Invitae Variant Classification Sherloc (09022015). Collection method: clinical testing. Allele origin: germline.
Comment: This sequence change affects the initiator codon of the TMEM127 mRNA. This change may impact translation initiation or efficiency. The next in-frame methionine is located at codon 85. This variant is not present in population databases (gnomAD no frequency). Disruption of the initiator codon has been observed in individuals with araganglioma-pheochromocytoma syndrome (PMID: 28384794; 29282712 internal data). Algorithms developed to predict the effect of variants on gene product structure and function are not available or were not evaluated for this variant. Experimental studies have shown that disruption of the initiator codon affects TMEM127 function (PMID: 21156949). This variant disrupts a region of the TMEM127 protein in which other variant(s) (p.Ala47Asp) have been observed in individuals with TMEM127-related conditions (PMID: 20923864). This suggests that this is a clinically significant region of the protein, and that variants that disrupt it are likely to be disease-causing. For these reasons, this variant has been classified as Pathogenic.

Literature cited by the submitters: PubMed 28384794; PubMed 29282712; PubMed 21156949; PubMed 20923864.